The following is an entry in ClinVar:

ClinVar aggregate classification (germline): Pathogenic/Likely pathogenic. Review status: criteria provided, multiple submitters, no conflicts (2 of 4 stars). 4 submissions from 4 submitters: Pathogenic (3); Likely pathogenic (1). Last evaluated 2024-04-01.

Conditions:
Autosomal recessive limb-girdle muscular dystrophy type 2D (LGMDR3). Also called: ADHALINOPATHY, PRIMARY; DUCHENNE-LIKE AUTOSOMAL RECESSIVE MUSCULAR DYSTROPHY, TYPE 2; MUSCULAR DYSTROPHY, LIMB-GIRDLE, AUTOSOMAL RECESSIVE 3. Identifiers: Orphanet 62, MedGen C2936332, MONDO:0011968, OMIM 608099. Disease mechanism: Affects gamma-sarcoglycan and also disrupts the integrity of the entire sarcoglycan complex..

Submissions (4):

Natera, Inc.
Classification: Likely pathogenic for Limb-girdle muscular dystrophy type 2D. Last evaluated: 2024-04-01. Review status: criteria provided, single submitter. Criteria: Natera Variant Classification Schema (03/2026). Collection method: clinical testing. Allele origin: germline.
Comment: The c.391delC variant in SGCA is a frameshift variant predicted to shift the reading frame beginning at codon 131 and leads to a stop codon 80 codons downstream. This variant is expected to result in nonsense mediated decay, truncation, or a dysfunctional protein product. This variant is rare in the general population with a frequency below the threshold expected for the associated phenotype(s). Given the available evidence, this variant is classified as Likely Pathogenic.

Genome-Nilou Lab
Classification: Pathogenic for Autosomal recessive limb-girdle muscular dystrophy type 2D. Last evaluated: 2023-02-08. Review status: criteria provided, single submitter. Criteria: ACMG Guidelines, 2015. Collection method: clinical testing. Allele origin: germline.

Labcorp Genetics (formerly Invitae), Labcorp
Classification: Pathogenic for Autosomal recessive limb-girdle muscular dystrophy type 2D. Last evaluated: 2022-08-15. Review status: criteria provided, single submitter. Criteria: Invitae Variant Classification Sherloc (09022015). Collection method: clinical testing. Allele origin: germline.
Comment: For these reasons, this variant has been classified as Pathogenic. ClinVar contains an entry for this variant (Variation ID: 418990). This variant has not been reported in the literature in individuals affected with SGCA-related conditions. This variant is not present in population databases (gnomAD no frequency). This sequence change creates a premature translational stop signal (p.Leu131Cysfs*80) in the SGCA gene. It is expected to result in an absent or disrupted protein product. Loss-of-function variants in SGCA are known to be pathogenic (PMID: 9192266).

GeneDx
Classification: Pathogenic. Last evaluated: 2015-05-07. Review status: criteria provided, single submitter. Criteria: GeneDx Variant Classification (06012015). Collection method: clinical testing. Allele origin: germline. Affected: yes.
Comment: The c.391delC deletion in the SGCA gene causes a frameshift starting with codon Leucine 131, changes thisamino acid to a Cysteine residue and creates a premature Stop codon at position 80 of the new reading frame,denoted p.Leu131CysfsX80. This variant is predicted to cause loss of normal protein function either throughprotein truncation or nonsense-mediated mRNA decay. Therefore, we interpret the c.391delC as a pathogenic variant.

Literature cited by the submitters: PubMed 9192266 (cited by Labcorp Genetics (formerly Invitae), Labcorp).

NM_000023.4(SGCA):c.391del (p.Leu131fs)

Gene: SGCA (sarcoglycan alpha; plus strand). Cytogenetic location: 17q21.33.
Variant type: Deletion.
Coding change: c.391del on transcript NM_000023.4 (MANE Select); coding-DNA position 391, one base deleted (C; older notation c.391delC).
Protein change: p.Leu131fs; shifts the reading frame from leucine 131.
Molecular consequence: frameshift variant. On other transcripts: non-coding transcript variant (1).
Genome position (GRCh38, 1-based): chr17:50,168,379, C deleted; the last of 5 consecutive C bases (chr17:50,168,375-50,168,379); deleting any one gives the same sequence. VCF-style (leftmost placement, unchanged base first): chr17-50168374-GC-G. GRCh37 (hg19) VCF-style: chr17-48245735-GC-G.
Other names: c.391del, p.Leu131fs (NM_001135697.3); c.391delC (NM_000023.3); short protein forms L131fs.
Identifiers: ClinVar variation 418990 (VCV000418990.9), dbSNP rs144356125, ClinGen allele CA16620469.